The following is an entry in ClinVar:

NM_007294.4(BRCA1):c.134+4A>T

Gene: BRCA1 (BRCA1 DNA repair associated; minus strand). Cytogenetic location: 17q21.31.
Variant type: single nucleotide variant.
Coding change: c.134+4A>T on transcript NM_007294.4 (MANE Select); 4 bases into the intron after coding-DNA position 134, A replaced by T.
Molecular consequence: intron variant.
Genome position (GRCh38, 1-based): chr17:43,115,722, T>A on the plus strand (A>T on the coding strand, the complement: BRCA1 is on the minus strand). VCF-style: chr17-43115722-T-A. GRCh37 (hg19) VCF-style: chr17-41267739-T-A.
Other names: c.134+4A>T (NM_001408495.1, NM_001408448.1, NM_001408421.1 and 191 more transcripts); c.-8+8295A>T (NM_001407936.1, NM_001407849.1, NM_001407845.1 and 23 more transcripts); c.-55+4A>T (NM_001407958.1, NM_001407955.1, NM_001408493.1 and 52 more transcripts); c.-286+4A>T (NM_001407965.1); c.-124+4A>T (NM_001407930.1, NM_001407843.1, NM_001408456.1 and 13 more transcripts); c.-128+4A>T (NM_001408465.1, NM_001407695.1); c.-8+4A>T (NM_001407920.1, NM_001408504.1, NM_001408463.1 and 47 more transcripts); c.-8+5836A>T (NM_001407751.1, NM_001407726.1); and 10 more.
Identifiers: ClinVar variation 867839 (VCV000867839.12), dbSNP rs1555599189, ClinGen allele CA916081015.

ClinVar aggregate classification (germline): Uncertain significance. Review status: criteria provided, multiple submitters, no conflicts (2 of 4 stars). 2 submissions from 2 submitters: Uncertain significance (2). Last evaluated 2023-10-06.

Conditions:
Hereditary breast ovarian cancer syndrome. Also called: Hereditary breast and ovarian cancer; Hereditary breast and ovarian cancer syndrome (HBOC); Breast and ovarian cancer; Hereditary breast and/or ovarian cancer syndrome; BRCA1- and BRCA2-Associated Hereditary Breast and Ovarian Cancer; Hereditary breast and ovarian cancer syndrome. Identifiers: Orphanet 145, MedGen C0677776, MeSH D061325, MONDO:0003582. Disease mechanism: loss of function.
Breast-ovarian cancer, familial, susceptibility to, 1 (BROVCA1). Also called: BRCA1 Hereditary Breast and Ovarian Cancer; OVARIAN CANCER, SUSCEPTIBILITY TO. Identifiers: Orphanet 145, MedGen C2676676, MONDO:0011450, OMIM 604370. Disease mechanism: loss of function.

Submissions (3):

Baylor Genetics
Classification: Uncertain significance for Breast-ovarian cancer, familial, susceptibility to, 1. Last evaluated: 2023-10-06. Review status: criteria provided, single submitter. Criteria: ACMG Guidelines, 2015. Collection method: clinical testing. Allele origin: unknown.

Labcorp Genetics (formerly Invitae), Labcorp
Classification: Uncertain significance for Hereditary breast ovarian cancer syndrome. Last evaluated: 2020-12-18. Review status: criteria provided, single submitter. Criteria: Invitae Variant Classification Sherloc (09022015). Collection method: clinical testing. Allele origin: germline.
Comment: In summary, the available evidence is currently insufficient to determine the role of this variant in disease. Therefore, it has been classified as a Variant of Uncertain Significance. Nucleotide substitutions within the consensus splice site are a relatively common cause of aberrant splicing (PMID: 17576681, 9536098). Algorithms developed to predict the effect of sequence changes on RNA splicing suggest that this variant may disrupt the consensus splice site, but this prediction has not been confirmed by published transcriptional studies. Experimental studies have shown that this variant does not substantially affect BRCA1 protein function (PMID: 30209399). This variant has not been reported in the literature in individuals with BRCA1-related conditions. ClinVar contains an entry for this variant (Variation ID: 867839). This variant is not present in population databases (ExAC no frequency). This sequence change falls in intron 3 of the BRCA1 gene. It does not directly change the encoded amino acid sequence of the BRCA1 protein. It affects a nucleotide within the consensus splice site of the intron.

Brotman Baty Institute, University of Washington
No classification provided (evidence only). Condition: Breast-ovarian cancer, familial 1. Review status: no classification provided. Collection method: in vitro. Allele origin: not applicable. Functional consequence: functionally_normal. Not counted in ClinVar's aggregate classification.
ClinVar note: "not provided" was previously submitted as the classification for the variant. However, the classification appeared to be based only on an observation of functional data so it was converted to no classification on 2025-07-30.

Literature cited by the submitters: PubMed 17576681 (cited by Labcorp Genetics (formerly Invitae), Labcorp); PubMed 9536098 (cited by Labcorp Genetics (formerly Invitae), Labcorp); PubMed 30209399 (cited by Labcorp Genetics (formerly Invitae), Labcorp).